The following is an entry in ClinVar:

ClinVar aggregate classification (germline): Likely benign (1 of 4 stars; one submission).

Submission:

CeGaT Center for Human Genetics Tuebingen
Classification: Likely benign. Last evaluated: 2026-08-01. Review status: criteria provided, single submitter. Criteria: CeGaT Center For Human Genetics Tuebingen Variant Classification Criteria Version 2. Collection method: clinical testing. Allele origin: germline. Affected: yes. Observed: 6 variant alleles.
Comment: BTBD17: BP4, BP7

NM_001080466.2(BTBD17):c.1086G>A (p.Pro362=)

Gene: BTBD17 (BTB domain containing 17; minus strand). Cytogenetic location: 17q25.1.
Variant type: single nucleotide variant.
Coding change: c.1086G>A on transcript NM_001080466.2 (MANE Select); coding-DNA position 1086, G replaced by A.
Protein change: p.Pro362=; no amino-acid change (proline 362 retained).
Molecular consequence: synonymous variant.
Genome position (GRCh38, 1-based): chr17:74,357,008, C>T on the plus strand (G>A on the coding strand, the complement: BTBD17 is on the minus strand). VCF-style: chr17-74357008-C-T. GRCh37 (hg19) VCF-style: chr17-72353147-C-T.
Identifiers: ClinVar variation 2648210 (VCV002648210.24), dbSNP rs1203159820, ClinGen allele CA502030044.